The following is an entry in ClinVar:

ClinVar aggregate classification (germline): Pathogenic (1 of 4 stars; one submission).

Submission:

Labcorp Genetics (formerly Invitae), Labcorp
Classification: Pathogenic. Last evaluated: 2025-07-09. Review status: criteria provided, single submitter. Criteria: Invitae Variant Classification Sherloc (09022015). Collection method: clinical testing. Allele origin: germline.
Comment: This sequence change creates a premature translational stop signal (p.Gly460Glufs*23) in the PHEX gene. It is expected to result in an absent or disrupted protein product. Loss-of-function variants in PHEX are known to be pathogenic (PMID: 9097956, 9106524, 19219621). This variant is not present in population databases (gnomAD no frequency). This variant has not been reported in the literature in individuals affected with PHEX-related conditions. For these reasons, this variant has been classified as Pathogenic.

Literature cited by the submitters: PubMed 9097956; PubMed 9106524; PubMed 19219621.

NM_000444.6(PHEX):c.1379del (p.Gly460fs)

Gene: PHEX (phosphate regulating endopeptidase X-linked; plus strand). Cytogenetic location: Xp22.11.
Variant type: Deletion.
Coding change: c.1379del on transcript NM_000444.6 (MANE Select); coding-DNA position 1379, one base deleted (G; older notation c.1379delG).
Protein change: p.Gly460fs; shifts the reading frame from glycine 460.
Molecular consequence: frameshift variant.
Genome position (GRCh38, 1-based): chrX:22,133,599, G deleted; the last of 2 consecutive G bases (chrX:22,133,598-22,133,599); deleting either gives the same sequence. VCF-style (leftmost placement, unchanged base first): chrX-22133597-AG-A. GRCh37 (hg19) VCF-style: chrX-22151714-AG-A.
Other names: c.1379del, p.Gly460fs (NM_001282754.2); short protein forms G460fs.
Identifiers: ClinVar variation 4722958 (VCV004722958.1).